The following is an entry in ClinVar:

NM_033305.3(VPS13A):c.1968T>A (p.Ile656=)

Gene: VPS13A (vacuolar protein sorting 13 homolog A; plus strand). Cytogenetic location: 9q21.2.
Variant type: single nucleotide variant.
Coding change: c.1968T>A on transcript NM_033305.3 (MANE Select); coding-DNA position 1968, T replaced by A.
Protein change: p.Ile656=; no amino-acid change (isoleucine 656 retained).
Molecular consequence: synonymous variant.
Genome position (GRCh38, 1-based): chr9:77,247,326, T>A. VCF-style: chr9-77247326-T-A. GRCh37 (hg19) VCF-style: chr9-79862242-T-A.
Other names: c.1968T>A, p.Ile656= (NM_001018037.2, NM_001018038.3, NM_015186.4).
Identifiers: ClinVar variation 1078522 (VCV001078522.34), dbSNP rs918529816, ClinGen allele CA194394605.

ClinVar aggregate classification (germline): Likely benign. Review status: criteria provided, multiple submitters, no conflicts (2 of 4 stars). 4 submissions from 4 submitters: Likely benign (4). Last evaluated 2025-10-06.

Allele frequency attached by ClinVar (database versions not stated): gnomAD 0.00001; gnomAD exomes 0.00001 and 0.00004; TOPMed 0.00002.
gnomAD v4.1: 67 of 1,611,910 alleles (0.0042%); highest among the groups gnomAD compares: Non-Finnish European, 0.0053%; no homozygotes.

Submissions (4):

Labcorp Genetics (formerly Invitae), Labcorp
Classification: Likely benign. Last evaluated: 2025-10-06. Review status: criteria provided, single submitter. Criteria: Invitae Variant Classification Sherloc (09022015). Collection method: clinical testing. Allele origin: germline.

Blueprint Genetics
Classification: Likely benign. Last evaluated: 2023-02-15. Review status: criteria provided, single submitter. Criteria: ACMG Guidelines, 2015. Collection method: clinical testing. Allele origin: germline.

CeGaT Center for Human Genetics Tuebingen
Classification: Likely benign. Last evaluated: 2023-02-01. Review status: criteria provided, single submitter. Criteria: CeGaT Center For Human Genetics Tuebingen Variant Classification Criteria Version 2. Collection method: clinical testing. Allele origin: germline. Affected: yes. Observed: 1 variant allele.
Comment: VPS13A: BP4, BP7

Breakthrough Genomics
Classification: Likely benign. Review status: criteria provided, single submitter. Criteria: ACMG Guidelines, 2015. Collection method: not provided. Allele origin: germline. Inheritance: Autosomal recessive inheritance. Affected: yes.